The following is an entry in ClinVar:

NM_001378609.3(OTOGL):c.1457del (p.Val486fs)

Gene: OTOGL (otogelin like; plus strand). Cytogenetic location: 12q21.31.
Variant type: Deletion.
Coding change: c.1457del on transcript NM_001378609.3 (MANE Select); coding-DNA position 1457, one base deleted (T; older notation c.1457delT).
Protein change: p.Val486fs; shifts the reading frame from valine 486.
Molecular consequence: frameshift variant.
Genome position (GRCh38, 1-based): chr12:80,255,055, T deleted. VCF-style (leftmost placement, unchanged base first): chr12-80255054-GT-G. GRCh37 (hg19) VCF-style: chr12-80648834-GT-G.
Other names: c.1430delT (NM_173591.3); c.1457del, p.Val486fs (NM_001368062.3, NM_001378610.3, NM_173591.7); short protein forms V486fs.
Identifiers: ClinVar variation 39778 (VCV000039778.5), dbSNP rs1233562246, ClinGen allele CA606189809.

ClinVar aggregate classification (germline): Pathogenic. Review status: criteria provided, multiple submitters, no conflicts (2 of 4 stars). 3 submissions from 3 submitters: Pathogenic (2). 1 of the submissions does not count toward it. Last evaluated 2025-08-10.

Conditions:
Autosomal recessive nonsyndromic hearing loss 84B. Also called: Deafness, autosomal recessive 84b. Identifiers: Orphanet 90636, MedGen C3554159, MONDO:0013984, OMIM 614944.

Allele frequency attached by ClinVar (database versions not stated): gnomAD 0.00001 and 0.00003; gnomAD exomes below 0.00001; TOPMed 0.00002.

Submissions (3):

Labcorp Genetics (formerly Invitae), Labcorp
Classification: Pathogenic. Last evaluated: 2025-08-10. Review status: criteria provided, single submitter. Criteria: Invitae Variant Classification Sherloc (09022015). Collection method: clinical testing. Allele origin: germline.
Comment: This sequence change creates a premature translational stop signal (p.Val477Glufs*25) in the OTOGL gene. It is expected to result in an absent or disrupted protein product. Loss-of-function variants in OTOGL are known to be pathogenic (PMID: 23122586). This variant is present in population databases (no rsID available, gnomAD 0.007%). This premature translational stop signal has been observed in individual(s) with sensorineural hearing loss (PMID: 23122586). ClinVar contains an entry for this variant (Variation ID: 39778). For these reasons, this variant has been classified as Pathogenic.

GeneDx
Classification: Pathogenic. Last evaluated: 2022-06-28. Review status: criteria provided, single submitter. Criteria: GeneDx Variant Classification Process June 2021. Collection method: clinical testing. Allele origin: germline. Affected: yes.
Comment: Frameshift variant predicted to result in protein truncation or nonsense mediated decay in a gene for which loss of function is a known mechanism of disease; Not observed at significant frequency in large population cohorts (gnomAD); This variant is associated with the following publications: (PMID: 24378291, 23122586)

OMIM
Classification: Pathogenic for DEAFNESS, AUTOSOMAL RECESSIVE 84B. Last evaluated: 2012-11-02. Review status: no assertion criteria provided. Collection method: literature only. Allele origin: germline. Not counted in ClinVar's aggregate classification.

Literature cited by the submitters: PubMed 23122586 (cited by Labcorp Genetics (formerly Invitae), Labcorp and OMIM).